The following is an entry in ClinVar:

ClinVar aggregate classification (germline): Likely pathogenic (1 of 4 stars; one submission).

Conditions:
Familial cancer of breast. Also called: BREAST CANCER, FAMILIAL; Hereditary breast cancer; hereditary breast carcinoma. Identifiers: Orphanet 227535, MedGen C0346153, MONDO:0016419, OMIM 114480. Disease mechanism: loss of function.

Submission:

Labcorp Genetics (formerly Invitae), Labcorp
Classification: Likely pathogenic for Familial cancer of breast. Last evaluated: 2025-11-03. Review status: criteria provided, single submitter. Criteria: Invitae Variant Classification Sherloc (09022015). Collection method: clinical testing. Allele origin: germline.
Comment: This sequence change replaces glycine, which is neutral and non-polar, with arginine, which is basic and polar, at codon 562 of the PALB2 protein (p.Gly562Arg). RNA analysis indicates that this missense change induces altered splicing and may result in an absent or altered protein product. This variant is not present in population databases (gnomAD no frequency). This variant has not been reported in the literature in individuals affected with PALB2-related conditions. An algorithm developed to predict the effect of missense changes on protein structure and function outputs the following: PolyPhen-2: "Benign". The arginine amino acid residue is found in multiple mammalian species, which suggests that this missense change does not adversely affect protein function. Variants that disrupt the consensus splice site are a relatively common cause of aberrant splicing (PMID: 17576681, 9536098). Studies have shown that this missense change results in the retention of intron 4, and produces a non-functional protein and/or introduces a premature termination codon (internal data). In summary, the currently available evidence indicates that the variant is pathogenic, but additional data are needed to prove that conclusively. Therefore, this variant has been classified as Likely Pathogenic.

Literature cited by the submitters: PubMed 17576681; PubMed 9536098.

NM_024675.4(PALB2):c.1684G>C (p.Gly562Arg)

Gene: PALB2 (partner and localizer of BRCA2; minus strand). Cytogenetic location: 16p12.2.
Variant type: single nucleotide variant.
Coding change: c.1684G>C on transcript NM_024675.4 (MANE Select); coding-DNA position 1684, G replaced by C.
Protein change: p.Gly562Arg; replaces glycine 562 with arginine.
Molecular consequence: missense variant. On other transcripts: intron variant (3).
Genome position (GRCh38, 1-based): chr16:23,634,862, C>G on the plus strand (G>C on the coding strand, the complement: PALB2 is on the minus strand). VCF-style: chr16-23634862-C-G. GRCh37 (hg19) VCF-style: chr16-23646183-C-G.
Other names: c.1624G>C, p.Gly542Arg (NM_001407296.1); c.1684G>C, p.Gly562Arg (NM_001407297.1, NM_001407298.1, NM_001407299.1 and 3 more transcripts); c.799G>C, p.Gly267Arg (NM_001407304.1, NM_001407305.1, NM_001407306.1 and 5 more transcripts); c.49-5587G>C (NM_001407314.1); c.-104-4393G>C (NM_001407313.1, NM_001407312.1); short protein forms G267R, G562R, G542R.
Identifiers: ClinVar variation 4762982 (VCV004762982.1).